The following is an entry in ClinVar:

ClinVar aggregate classification (germline): Uncertain significance. Review status: criteria provided, multiple submitters, no conflicts (2 of 4 stars). 2 submissions from 2 submitters: Uncertain significance (2). Last evaluated 2025-07-16.

Conditions:
Autosomal recessive distal spinal muscular atrophy 2. Also called: NEURONOPATHY, DISTAL HEREDITARY MOTOR, JERASH TYPE; NEUROPATHY, DISTAL HEREDITARY MOTOR, JERASH TYPE; SPINAL MUSCULAR ATROPHY, JERASH TYPE; NEUROPATHY, DISTAL HEREDITARY MOTOR, AUTOSOMAL RECESSIVE 2; Hereditary motor neuropathy, Jerash type; Motor neuropathy, distal, Jerash type. Identifiers: Orphanet 139552, MedGen C1854023, MONDO:0011585, OMIM 605726.
Amyotrophic lateral sclerosis type 16. Also called: AMYOTROPHIC LATERAL SCLEROSIS 16, JUVENILE. Identifiers: Orphanet 300605, MedGen C3280587, MONDO:0013715, OMIM 614373.

Allele frequency attached by ClinVar (database versions not stated): TOPMed 0.00002.
gnomAD v4.1: 22 of 1,599,754 alleles (0.0014%); highest among the groups gnomAD compares: Admixed American, 0.014%; no homozygotes.

Submissions (2):

Women's Health and Genetics/Laboratory Corporation of America, LabCorp
Classification: Uncertain significance. Last evaluated: 2025-07-16. Review status: criteria provided, single submitter. Criteria: LabCorp Variant Classification Summary - May 2015. Collection method: clinical testing. Allele origin: germline.
Comment: Variant summary: SIGMAR1 c.259G>A (p.Gly87Ser) results in a non-conservative amino acid change in the encoded protein sequence. Algorithms developed to predict the effect of missense changes on protein structure and function all suggest that this variant is likely to be disruptive. The variant allele was found at a frequency of 4e-05 in 227338 control chromosomes (gnomAD). The available data on variant occurrences in the general population are insufficient to allow any conclusion about variant significance. To our knowledge, no occurrence of c.259G>A in individuals affected with Autosomal recessive distal spinal muscular atrophy 2 and no experimental evidence demonstrating its impact on protein function have been reported. ClinVar contains an entry for this variant (Variation ID: 642698). Based on the evidence outlined above, the variant was classified as uncertain significance.

Labcorp Genetics (formerly Invitae), Labcorp
Classification: Uncertain significance for Autosomal recessive distal spinal muscular atrophy 2; Amyotrophic lateral sclerosis type 16. Last evaluated: 2023-08-02. Review status: criteria provided, single submitter. Criteria: Invitae Variant Classification Sherloc (09022015). Collection method: clinical testing. Allele origin: germline.
Comment: In summary, the available evidence is currently insufficient to determine the role of this variant in disease. Therefore, it has been classified as a Variant of Uncertain Significance. An algorithm developed to predict the effect of missense changes on protein structure and function (PolyPhen-2) suggests that this variant is likely to be disruptive. ClinVar contains an entry for this variant (Variation ID: 642698). This missense change has been observed in individual(s) with clinical features of SIGMAR1-related conditions (Invitae). This variant is present in population databases (rs768933234, gnomAD 0.02%). This sequence change replaces glycine, which is neutral and non-polar, with serine, which is neutral and polar, at codon 87 of the SIGMAR1 protein (p.Gly87Ser).

NM_005866.4(SIGMAR1):c.259G>A (p.Gly87Ser)

Gene: SIGMAR1 (sigma receptor chaperone 1; minus strand). Cytogenetic location: 9p13.3.
Variant type: single nucleotide variant.
Coding change: c.259G>A on transcript NM_005866.4 (MANE Select); coding-DNA position 259, G replaced by A.
Protein change: p.Gly87Ser; replaces glycine 87 with serine.
Molecular consequence: missense variant. On other transcripts: synonymous variant (1).
Genome position (GRCh38, 1-based): chr9:34,637,313, C>T on the plus strand (G>A on the coding strand, the complement: SIGMAR1 is on the minus strand). VCF-style: chr9-34637313-C-T. GRCh37 (hg19) VCF-style: chr9-34637310-C-T.
Other names: c.259G>A, p.Gly87Ser (NM_147157.3, NM_001282205.2, NM_001282208.2 and 1 more transcripts); c.6G>A, p.Arg2= (NM_001282206.2); c.199G>A, p.Gly67Ser (NM_001282207.2); short protein forms G87S, G67S.
Identifiers: ClinVar variation 642698 (VCV000642698.10), dbSNP rs768933234, ClinGen allele CA5035912.